The following is an entry in ClinVar:

NM_000051.4(ATM):c.377A>G (p.Asp126Gly)

Gene: ATM (ATM serine/threonine kinase; plus strand). Cytogenetic location: 11q22.3.
Variant type: single nucleotide variant.
Coding change: c.377A>G on transcript NM_000051.4 (MANE Select); coding-DNA position 377, A replaced by G.
Protein change: p.Asp126Gly; replaces aspartic acid 126 with glycine.
Molecular consequence: missense variant.
Genome position (GRCh38, 1-based): chr11:108,235,715, A>G. VCF-style: chr11-108235715-A-G. GRCh37 (hg19) VCF-style: chr11-108106442-A-G.
Other names: c.377A>G, p.Asp126Gly (NM_001351834.2); short protein forms D126G.
Identifiers: ClinVar variation 1734829 (VCV001734829.8), dbSNP rs1591474742, ClinGen allele CA382524786.
Genomic context (GRCh38, chr11:108,235,715, plus strand): 5'-TTTATTTTGAAATAGGAGCACCTAGGCTAAAATGTCAAGAACTCTTAAATTATATCATGG[A>G]TACAGTGAAAGATTCATCTAATGGTGCTATTTACGGAGCTGATTGTAGCAACATACTACT-3'
Protein context (NP_000042.3, residues 116-136): KCQELLNYIM[Asp126Gly]TVKDSSNGAI

ClinVar aggregate classification (germline): Uncertain significance. Review status: criteria provided, multiple submitters, no conflicts (2 of 4 stars). 2 submissions from 2 submitters: Uncertain significance (2). Last evaluated 2025-12-09.

Conditions:
Ataxia-telangiectasia syndrome (AT). Also called: LOUIS-BAR SYNDROME; Cerebello-oculocutaneous telangiectasia; Immunodeficiency with ataxia telangiectasia; Ataxia-telangiectasia, complementation group D; AT, COMPLEMENTATION GROUP C; ATAXIA-TELANGIECTASIA, COMPLEMENTATION GROUP A. Identifiers: Orphanet 100, MedGen C0004135, MONDO:0008840, OMIM 208900.
Hereditary cancer-predisposing syndrome. Also called: Neoplastic Syndromes, Hereditary; Tumor predisposition; Hereditary Cancer Syndrome; Hereditary neoplastic syndrome. Identifiers: Orphanet 140162, MedGen C0027672, MeSH D009386, MONDO:0015356.

Submissions (2):

Ambry Genetics
Classification: Uncertain significance for Hereditary cancer-predisposing syndrome. Last evaluated: 2025-12-09. Review status: criteria provided, single submitter. Criteria: Ambry Variant Classification Scheme 2023. Collection method: clinical testing. Allele origin: germline.
Comment: The p.D126G variant (also known as c.377A>G), located in coding exon 4 of the ATM gene, results from an A to G substitution at nucleotide position 377. The aspartic acid at codon 126 is replaced by glycine, an amino acid with similar properties. In an assay testing ATM function, this variant showed a functionally normal result (Lee KS et al. Cell, 2025 Sep;188:5081-5099.e27). This amino acid position is not well conserved in available vertebrate species. In addition, this alteration is predicted to be tolerated by in silico analysis. Since supporting evidence is limited at this time, the clinical significance of this alteration remains unclear.

Labcorp Genetics (formerly Invitae), Labcorp
Classification: Uncertain significance for Ataxia-telangiectasia syndrome. Last evaluated: 2022-01-27. Review status: criteria provided, single submitter. Criteria: Invitae Variant Classification Sherloc (09022015). Collection method: clinical testing. Allele origin: germline.
Comment: In summary, the available evidence is currently insufficient to determine the role of this variant in disease. Therefore, it has been classified as a Variant of Uncertain Significance. Algorithms developed to predict the effect of sequence changes on RNA splicing suggest that this variant may create or strengthen a splice site. Advanced modeling of protein sequence and biophysical properties (such as structural, functional, and spatial information, amino acid conservation, physicochemical variation, residue mobility, and thermodynamic stability) performed at Invitae indicates that this missense variant is not expected to disrupt ATM protein function. This variant has not been reported in the literature in individuals affected with ATM-related conditions. This variant is not present in population databases (gnomAD no frequency). This sequence change replaces aspartic acid, which is acidic and polar, with glycine, which is neutral and non-polar, at codon 126 of the ATM protein (p.Asp126Gly).

Literature cited by the submitters: PubMed 40580951 (cited by Ambry Genetics).